The following is an entry in ClinVar:

ClinVar aggregate classification (germline): Pathogenic/Likely pathogenic. Review status: criteria provided, multiple submitters, no conflicts (2 of 4 stars). 4 submissions from 4 submitters: Pathogenic (1); Likely pathogenic (3). Last evaluated 2026-01-21.

Conditions:
C5ORF42-related disorders.
CPLANE1-related disorder. Also called: CPLANE1-related condition.
Joubert syndrome 17 (JBTS17). Identifiers: Orphanet 475, MedGen C3553264, MONDO:0013824, OMIM 614615.
Orofaciodigital syndrome type 6 (OFD6). Also called: OROFACIODIGITAL SYNDROME VI; OFDS VI; POLYDACTYLY, CLEFT LIP/PALATE OR LINGUAL LUMP, AND PSYCHOMOTOR RETARDATION; VARADI SYNDROME; VARADI-PAPP SYNDROME; Oral-facial-digital syndrome type 6. Identifiers: Orphanet 2754, MedGen C2745997, MONDO:0010176, OMIM 277170.

Allele frequency attached by ClinVar (database versions not stated): gnomAD 0.00002.
gnomAD v4.1: 12 of 1,546,378 alleles (0.00078%); highest among the groups gnomAD compares: East Asian, 0.0049%; no homozygotes.

Submissions (4):

Labcorp Genetics (formerly Invitae), Labcorp
Classification: Pathogenic. Last evaluated: 2026-01-21. Review status: criteria provided, single submitter. Criteria: Invitae Variant Classification Sherloc (09022015). Collection method: clinical testing. Allele origin: germline.
Comment: This sequence change creates a premature translational stop signal (p.Arg466*) in the CPLANE1 gene. It is expected to result in an absent or disrupted protein product. Loss-of-function variants in CPLANE1 are known to be pathogenic (PMID: 24178751, 26092869). This variant is present in population databases (rs201292596, gnomAD 0.01%). This variant has not been reported in the literature in individuals affected with CPLANE1-related conditions. ClinVar contains an entry for this variant (Variation ID: 2632671). For these reasons, this variant has been classified as Pathogenic.

Fulgent Genetics
Classification: Likely pathogenic for Orofaciodigital syndrome type 6; Joubert syndrome 17. Last evaluated: 2024-04-20. Review status: criteria provided, single submitter. Criteria: ACMG Guidelines, 2015. Collection method: clinical testing. Allele origin: germline.

PreventionGenetics, part of Exact Sciences
Classification: Likely pathogenic for CPLANE1-related condition. Last evaluated: 2023-06-17. Review status: criteria provided, single submitter. Criteria: ACMG Guidelines, 2015. Collection method: clinical testing. Allele origin: germline.
Comment: The CPLANE1 c.1396C>T variant is predicted to result in premature protein termination (p.Arg466*). To our knowledge, this variant has not been reported in the literature. This variant is reported in 0.0093% of alleles in individuals of East Asian descent in gnomAD. Nonsense variants in CPLANE1 are expected to be pathogenic. This variant is interpreted as likely pathogenic.

Blueprint Genetics
Classification: Likely pathogenic for C5ORF42-related disorders. Last evaluated: 2020-02-24. Review status: criteria provided, single submitter. Criteria: ACMG Guidelines, 2015. Collection method: clinical testing. Allele origin: germline. Affected: yes. Observed: 1 variant allele.

Literature cited by the submitters: PubMed 24178751 (cited by Labcorp Genetics (formerly Invitae), Labcorp); PubMed 26092869 (cited by Labcorp Genetics (formerly Invitae), Labcorp).

NM_001384732.1(CPLANE1):c.1396C>T (p.Arg466Ter)

Gene: CPLANE1 (ciliogenesis and planar polarity effector complex subunit 1; minus strand). Cytogenetic location: 5p13.2.
Variant type: single nucleotide variant.
Coding change: c.1396C>T on transcript NM_001384732.1 (MANE Select); coding-DNA position 1396, C replaced by T.
Protein change: p.Arg466Ter; replaces arginine 466 with a stop codon.
Molecular consequence: nonsense.
Genome position (GRCh38, 1-based): chr5:37,227,368, G>A on the plus strand (C>T on the coding strand, the complement: CPLANE1 is on the minus strand). VCF-style: chr5-37227368-G-A. GRCh37 (hg19) VCF-style: chr5-37227470-G-A.
Other names: c.1396C>T, p.Arg466Ter (NM_023073.4); short protein forms R466*.
Identifiers: ClinVar variation 2632671 (VCV002632671.6), dbSNP rs201292596, ClinGen allele CA117058157.